The following is an entry in ClinVar:

NM_002519.3(NPAT):c.731T>C (p.Met244Thr)

Gene: NPAT (nuclear protein, coactivator of histone transcription; minus strand). Cytogenetic location: 11q22.3.
Variant type: single nucleotide variant.
Coding change: c.731T>C on transcript NM_002519.3 (MANE Select); coding-DNA position 731, T replaced by C.
Protein change: p.Met244Thr; replaces methionine 244 with threonine.
Molecular consequence: missense variant.
Genome position (GRCh38, 1-based): chr11:108,185,490, A>G on the plus strand (T>C on the coding strand, the complement: NPAT is on the minus strand). VCF-style: chr11-108185490-A-G. GRCh37 (hg19) VCF-style: chr11-108056217-A-G.
Other names: c.731T>C, p.Met244Thr (NM_001321307.1); short protein forms M244T.
Identifiers: ClinVar variation 3407206 (VCV003407206.1).

ClinVar aggregate classification (germline): Uncertain significance (1 of 4 stars; one submission).

Submission:

Ambry Genetics
Classification: Uncertain significance. Last evaluated: 2024-09-02. Review status: criteria provided, single submitter. Criteria: Ambry Variant Classification Scheme 2023. Collection method: clinical testing. Allele origin: germline.
Comment: The p.M244T variant (also known as c.731T>C), located in coding exon 9 of the NPAT gene, results from a T to C substitution at nucleotide position 731. The methionine at codon 244 is replaced by threonine, an amino acid with similar properties. This amino acid position is conserved. In addition, this alteration is predicted to be tolerated by in silico analysis. Based on the available evidence, the clinical significance of this variant remains unclear.